The following is an entry in ClinVar:

ClinVar aggregate classification (germline): Uncertain significance. Review status: criteria provided, multiple submitters, no conflicts (2 of 4 stars). 2 submissions from 2 submitters: Uncertain significance (2). Last evaluated 2025-07-25.

Conditions:
Hereditary cancer-predisposing syndrome. Also called: Hereditary Cancer Syndrome; Neoplastic Syndromes, Hereditary; Tumor predisposition; Hereditary neoplastic syndrome. Identifiers: Orphanet 140162, MedGen C0027672, MeSH D009386, MONDO:0015356.
EGFR-related lung cancer (EGFR). Identifiers: MedGen CN130014.

gnomAD v4.1: 1 of 1,614,168 alleles (0.000062%); highest among the groups gnomAD compares: Non-Finnish European, 0.000085%; no homozygotes.

Submissions (2):

Ambry Genetics
Classification: Uncertain significance for Hereditary cancer-predisposing syndrome. Last evaluated: 2025-07-25. Review status: criteria provided, single submitter. Criteria: Ambry Variant Classification Scheme 2023. Collection method: clinical testing. Allele origin: germline.
Comment: The p.S1162R variant (also known as c.3486C>A), located in coding exon 28 of the EGFR gene, results from a C to A substitution at nucleotide position 3486. The serine at codon 1162 is replaced by arginine, an amino acid with dissimilar properties. This amino acid position is conserved. In addition, this alteration is predicted to be tolerated by in silico analysis. Based on the available evidence, the clinical significance of this variant remains unclear.

Labcorp Genetics (formerly Invitae), Labcorp
Classification: Uncertain significance for EGFR-related lung cancer. Last evaluated: 2025-01-30. Review status: criteria provided, single submitter. Criteria: Invitae Variant Classification Sherloc (09022015). Collection method: clinical testing. Allele origin: germline.
Comment: This sequence change replaces serine, which is neutral and polar, with arginine, which is basic and polar, at codon 1162 of the EGFR protein (p.Ser1162Arg). This variant is not present in population databases (gnomAD no frequency). This variant has not been reported in the literature in individuals affected with EGFR-related conditions. ClinVar contains an entry for this variant (Variation ID: 3011099). An algorithm developed to predict the effect of missense changes on protein structure and function (PolyPhen-2) suggests that this variant is likely to be tolerated. In summary, the available evidence is currently insufficient to determine the role of this variant in disease. Therefore, it has been classified as a Variant of Uncertain Significance.

NM_005228.5(EGFR):c.3486C>A (p.Ser1162Arg)

Gene: EGFR (epidermal growth factor receptor; plus strand). Cytogenetic location: 7p11.2.
Variant type: single nucleotide variant.
Coding change: c.3486C>A on transcript NM_005228.5 (MANE Select); coding-DNA position 3486, C replaced by A.
Protein change: p.Ser1162Arg; replaces serine 1162 with arginine.
Molecular consequence: missense variant.
Genome position (GRCh38, 1-based): chr7:55,205,470, C>A. VCF-style: chr7-55205470-C-A. GRCh37 (hg19) VCF-style: chr7-55273163-C-A.
Other names: c.3351C>A, p.Ser1117Arg (NM_001346899.2); c.3327C>A, p.Ser1109Arg (NM_001346900.2); c.2685C>A, p.Ser895Arg (NM_001346941.2); short protein forms S1109R, S1162R, S895R, S1117R.
Identifiers: ClinVar variation 3011099 (VCV003011099.4), dbSNP rs766347941, ClinGen allele CA367584724.